The following is an entry in ClinVar:

ClinVar aggregate classification (germline): Pathogenic (1 of 4 stars; one submission).

Conditions:
Hereditary diffuse gastric adenocarcinoma (HDGC). Also called: DIFFUSE GASTRIC AND LOBULAR BREAST CANCER SYNDROME. Identifiers: Orphanet 26106, MedGen C1708349, MONDO:0007648, OMIM 137215.

Submission:

Myriad Genetics, Inc.
Classification: Pathogenic for Hereditary diffuse gastric adenocarcinoma. Last evaluated: 2026-06-22. Review status: criteria provided, single submitter. Criteria: Myriad Autosomal Dominant, Autosomal Recessive and X-Linked Classification Criteria (2023). Collection method: clinical testing. Allele origin: unknown.
Comment: This variant is considered pathogenic. This variant creates a frameshift predicted to result in premature protein truncation.

NM_001903.5(CTNNA1):c.1247_1251del (p.Val416fs)

Gene: CTNNA1 (catenin alpha 1; plus strand). Cytogenetic location: 5q31.2.
Variant type: Deletion.
Coding change: c.1247_1251del on transcript NM_001903.5 (MANE Select); coding-DNA positions 1247 to 1251, 5 bases deleted (TTAAG; older notation c.1247_1251delTTAAG).
Protein change: p.Val416fs; shifts the reading frame from valine 416.
Molecular consequence: frameshift variant. On other transcripts: 5 prime UTR variant (5), intron variant (2).
Genome position (GRCh38, 1-based): chr5:138,887,593-138,887,597, TTAAG deleted; deleting any 5 consecutive bases within chr5:138,887,590-138,887,597 gives the same sequence; the c. name uses the placement nearest the transcript's 3' end. VCF-style (leftmost placement, unchanged base first): chr5-138887589-GAAGTT-G. GRCh37 (hg19) VCF-style: chr5-138223278-GAAGTT-G.
Other names: c.137_141del, p.Val46fs (NM_001323994.1, NM_001323995.1, NM_001323996.1 and 18 more transcripts); c.1247_1251del, p.Val416fs (NM_001323986.2, NM_001290307.3, NM_001323982.2 and 3 more transcripts); c.-261_-257del (NM_001324006.1, NM_001324007.1, NM_001324008.1 and 1 more transcripts); c.-136_-132del (NM_001324013.1); c.-58+11996_-58+12000del (NM_001324012.1); c.-61+11996_-61+12000del (NM_001324010.1); c.938_942del, p.Val313fs (NM_001290309.3); c.878_882del, p.Val293fs (NM_001290310.3); short protein forms V293fs, V313fs, V416fs, V46fs.
Identifiers: ClinVar variation 4876095 (VCV004876095.1).